The following is an entry in ClinVar:

NM_001370259.2(MEN1):c.1740G>T (p.Thr580=)

Gene: MEN1 (menin 1; minus strand). Cytogenetic location: 11q13.1.
Variant type: single nucleotide variant.
Coding change: c.1740G>T on transcript NM_001370259.2 (MANE Select); coding-DNA position 1740, G replaced by T.
Protein change: p.Thr580=; no amino-acid change (threonine 580 retained).
Molecular consequence: synonymous variant. On other transcripts: non-coding transcript variant (4).
Genome position (GRCh38, 1-based): chr11:64,804,427, C>A on the plus strand (G>T on the coding strand, the complement: MEN1 is on the minus strand). VCF-style: chr11-64804427-C-A. GRCh37 (hg19) VCF-style: chr11-64571899-C-A.
Other names: c.1755G>T, p.Thr585= (NM_000244.4, NM_001407145.1, NM_130800.3 and 4 more transcripts); c.1866G>T, p.Thr622= (NM_001370251.2, NM_001407142.1, NM_001407143.1 and 1 more transcripts); c.1740G>T, p.Thr580= (NM_001370260.2, NM_001370261.2, NM_001407146.1 and 2 more transcripts); c.1635G>T, p.Thr545= (NM_001370262.2, NM_001370263.2, NM_001407148.1 and 1 more transcripts); c.1881G>T, p.Thr627= (NM_001407150.1); c.1761G>T, p.Thr587= (NM_001407151.1); c.1575G>T, p.Thr525= (NM_001407152.1).
Identifiers: ClinVar variation 3390059 (VCV003390059.14).

ClinVar aggregate classification (germline): Likely benign (1 of 4 stars; one submission).

Submission:

CeGaT Center for Human Genetics Tuebingen
Classification: Likely benign. Last evaluated: 2024-11-01. Review status: criteria provided, single submitter. Criteria: CeGaT Center For Human Genetics Tuebingen Variant Classification Criteria Version 2. Collection method: clinical testing. Allele origin: germline. Affected: yes. Observed: 1 variant allele.
Comment: MEN1: PM2:Supporting, BP4, BP7